The following is an entry in ClinVar:

NM_001768.7(CD8A):c.389C>G (p.Pro130Arg)

Gene: CD8A (CD8 subunit alpha; minus strand). Cytogenetic location: 2p11.2.
Variant type: single nucleotide variant.
Coding change: c.389C>G on transcript NM_001768.7 (MANE Select); coding-DNA position 389, C replaced by G.
Protein change: p.Pro130Arg; replaces proline 130 with arginine.
Molecular consequence: missense variant. On other transcripts: non-coding transcript variant (3).
Genome position (GRCh38, 1-based): chr2:86,790,342, G>C on the plus strand (C>G on the coding strand, the complement: CD8A is on the minus strand). VCF-style: chr2-86790342-G-C. GRCh37 (hg19) VCF-style: chr2-87017465-G-C.
Other names: c.389C>G, p.Pro130Arg (NM_001145873.1, NM_001382698.1, NM_171827.4); short protein forms P130R.
Identifiers: ClinVar variation 1037562 (VCV001037562.9), dbSNP rs368425695, ClinGen allele CA1751213.

ClinVar aggregate classification (germline): Uncertain significance. Review status: criteria provided, multiple submitters, no conflicts (2 of 4 stars). 3 submissions from 3 submitters: Uncertain significance (3). Last evaluated 2026-09-01.

Conditions:
Susceptibility to respiratory infections associated with CD8alpha chain mutation (IMD116). Also called: Cd8 deficiency, familial; IMMUNODEFICIENCY 116. Identifiers: Orphanet 169085, MedGen C1837065, MONDO:0012161, OMIM 608957.

Allele frequency attached by ClinVar (database versions not stated): TOPMed 0.00003; gnomAD 0.00004 and 0.00003; gnomAD exomes 0.00005; ExAC 0.00006; ESP Exome Variant Server 0.00015.
gnomAD v4.1: 41 of 1,613,348 alleles (0.0025%); highest among the groups gnomAD compares: East Asian, 0.016%; no homozygotes.

Submissions (3):

CeGaT Center for Human Genetics Tuebingen
Classification: Uncertain significance. Last evaluated: 2026-09-01. Review status: criteria provided, single submitter. Criteria: CeGaT Center For Human Genetics Tuebingen Variant Classification Criteria Version 2. Collection method: clinical testing. Allele origin: germline. Affected: yes. Observed: 1 variant allele.
Comment: CD8A: PM2

Labcorp Genetics (formerly Invitae), Labcorp
Classification: Uncertain significance for Susceptibility to respiratory infections associated with CD8alpha chain mutation. Last evaluated: 2024-02-24. Review status: criteria provided, single submitter. Criteria: Invitae Variant Classification Sherloc (09022015). Collection method: clinical testing. Allele origin: germline.
Comment: This sequence change replaces proline, which is neutral and non-polar, with arginine, which is basic and polar, at codon 130 of the CD8A protein (p.Pro130Arg). This variant is present in population databases (rs368425695, gnomAD 0.02%). This variant has not been reported in the literature in individuals affected with CD8A-related conditions. ClinVar contains an entry for this variant (Variation ID: 1037562). An algorithm developed to predict the effect of missense changes on protein structure and function (PolyPhen-2) suggests that this variant is likely to be disruptive. In summary, the available evidence is currently insufficient to determine the role of this variant in disease. Therefore, it has been classified as a Variant of Uncertain Significance.

Breakthrough Genomics
Classification: Uncertain significance. Review status: criteria provided, single submitter. Criteria: ACMG Guidelines, 2015. Collection method: not provided. Allele origin: germline. Inheritance: Autosomal recessive inheritance. Affected: yes.